The following is an entry in ClinVar:

NM_006206.6(PDGFRA):c.1415T>G (p.Ile472Ser)

Gene: PDGFRA (platelet derived growth factor receptor alpha; plus strand). Cytogenetic location: 4q12.
Variant type: single nucleotide variant.
Coding change: c.1415T>G on transcript NM_006206.6 (MANE Select); coding-DNA position 1415, T replaced by G.
Protein change: p.Ile472Ser; replaces isoleucine 472 with serine.
Molecular consequence: missense variant.
Genome position (GRCh38, 1-based): chr4:54,273,587, T>G. VCF-style: chr4-54273587-T-G. GRCh37 (hg19) VCF-style: chr4-55139754-T-G.
Other names: c.1415T>G, p.Ile472Ser (NM_001347827.2, NM_001347829.2); c.1490T>G, p.Ile497Ser (NM_001347828.2); c.1454T>G, p.Ile485Ser (NM_001347830.2); short protein forms I472S, I485S, I497S.
Identifiers: ClinVar variation 458999 (VCV000458999.12), dbSNP rs201223501, ClinGen allele CA2922559.
Genomic context (GRCh38, chr4:54,273,587, plus strand): 5'-TTCTCTCTAGATGTAATAATGAAACTTCCTGGACTATTTTGGCCAACAATGTCTCAAACA[T>G]CATCACGGAGATCCACTCCCGAGACAGGAGTACCGTGGAGGGCCGTGTGACTTTCGCCAA-3'
Protein context (NP_006197.1, residues 462-482): WTILANNVSN[Ile472Ser]ITEIHSRDRS

ClinVar aggregate classification (germline): Conflicting classifications of pathogenicity. Review status: criteria provided, conflicting classifications (1 of 4 stars). 2 submissions from 2 submitters: Uncertain significance (1); Benign (1). Last evaluated 2025-07-14.

Conditions:
Hereditary cancer-predisposing syndrome. Also called: Tumor predisposition; Hereditary neoplastic syndrome; Neoplastic Syndromes, Hereditary; Hereditary Cancer Syndrome. Identifiers: Orphanet 140162, MedGen C0027672, MeSH D009386, MONDO:0015356.
Gastrointestinal stromal tumor. Also called: Gastrointestinal stroma tumor; Gastrointestinal stromal tumor, somatic. Identifiers: Orphanet 44890, MedGen C0238198, MeSH D046152, MONDO:0011719, OMIM 606764, HP:0100723.

Allele frequency attached by ClinVar (database versions not stated): gnomAD 0.00002; ExAC 0.00003; gnomAD exomes 0.00004; 1000 Genomes Project 30x 0.00016; 1000 Genomes Project 0.00020.
gnomAD v4.1: 27 of 1,614,034 alleles (0.0017%); highest among the groups gnomAD compares: East Asian, 0.06%; no homozygotes.

Submissions (2):

Labcorp Genetics (formerly Invitae), Labcorp
Classification: Uncertain significance for Gastrointestinal stromal tumor. Last evaluated: 2025-07-14. Review status: criteria provided, single submitter. Criteria: Invitae Variant Classification Sherloc (09022015). Collection method: clinical testing. Allele origin: germline.
Comment: This sequence change replaces isoleucine, which is neutral and non-polar, with serine, which is neutral and polar, at codon 472 of the PDGFRA protein (p.Ile472Ser). This variant is present in population databases (rs201223501, gnomAD 0.06%). This variant has not been reported in the literature in individuals affected with PDGFRA-related conditions. ClinVar contains an entry for this variant (Variation ID: 458999). An algorithm developed to predict the effect of missense changes on protein structure and function (PolyPhen-2) suggests that this variant is likely to be tolerated. Algorithms developed to predict the effect of sequence changes on RNA splicing suggest that this variant may create or strengthen a splice site. In summary, the available evidence is currently insufficient to determine the role of this variant in disease. Therefore, it has been classified as a Variant of Uncertain Significance.

Ambry Genetics
Classification: Benign for Hereditary cancer-predisposing syndrome. Last evaluated: 2022-02-18. Review status: criteria provided, single submitter. Criteria: Ambry Variant Classification Scheme 2023. Collection method: clinical testing. Allele origin: germline.